The following is an entry in ClinVar:

NM_000256.3(MYBPC3):c.357del (p.Ala120fs)

Gene: MYBPC3 (myosin binding protein C3; minus strand). Cytogenetic location: 11p11.2.
Variant type: Deletion.
Coding change: c.357del on transcript NM_000256.3 (MANE Select); coding-DNA position 357, one base deleted (A; older notation c.357delA).
Protein change: p.Ala120fs; shifts the reading frame from alanine 120.
Molecular consequence: frameshift variant.
Genome position (GRCh38, 1-based): chr11:47,350,551, T deleted on the plus strand (A on the coding strand, the reverse complement: MYBPC3 is on the minus strand); the first of 2 consecutive T bases (chr11:47,350,551-47,350,552); deleting either gives the same sequence. VCF-style (leftmost placement, unchanged base first): chr11-47350550-CT-C. GRCh37 (hg19) VCF-style: chr11-47372101-CT-C.
Other names: c.357delA (NM_000256.3); c.357del, p.Ala120fs (LRG_386t1); short protein forms A120fs.
Identifiers: ClinVar variation 222704 (VCV000222704.3), dbSNP rs869025463, ClinGen allele CA351774.

ClinVar aggregate classification (germline): Pathogenic. Review status: criteria provided, multiple submitters, no conflicts (2 of 4 stars). 2 submissions from 2 submitters: Pathogenic (2). Last evaluated 2025-03-04.

Conditions:
Hypertrophic cardiomyopathy. Also called: HYPERTROPHIC MYOCARDIOPATHY. Identifiers: Orphanet 217569, MedGen C0007194, MeSH D002312, MONDO:0005045, HP:0001639.

Submissions (2):

Labcorp Genetics (formerly Invitae), Labcorp
Classification: Pathogenic for Hypertrophic cardiomyopathy. Last evaluated: 2025-03-04. Review status: criteria provided, single submitter. Criteria: Invitae Variant Classification Sherloc (09022015). Collection method: clinical testing. Allele origin: germline.
Comment: This sequence change creates a premature translational stop signal (p.Ala120Profs*39) in the MYBPC3 gene. It is expected to result in an absent or disrupted protein product. Loss-of-function variants in MYBPC3 are known to be pathogenic (PMID: 19574547). This variant is not present in population databases (gnomAD no frequency). This premature translational stop signal has been observed in individual(s) with hypertrophic cardiomyopathy (PMID: 33673806). ClinVar contains an entry for this variant (Variation ID: 222704). For these reasons, this variant has been classified as Pathogenic.

Molecular Diagnostic Laboratory for Inherited Cardiovascular Disease, Montreal Heart Institute
Classification: Pathogenic. Last evaluated: 2017-06-28. Review status: criteria provided, single submitter. Criteria: ACMG Guidelines, 2015. Collection method: clinical testing. Allele origin: germline. Affected: yes.

Literature cited by the submitters: PubMed 19574547 (cited by Labcorp Genetics (formerly Invitae), Labcorp); PubMed 33673806 (cited by Labcorp Genetics (formerly Invitae), Labcorp).